The following is an entry in ClinVar:

NM_014423.4(AFF4):c.2617A>G (p.Ser873Gly)

Gene: AFF4 (ALF transcription elongation factor 4; minus strand). Cytogenetic location: 5q31.1.
Variant type: single nucleotide variant.
Coding change: c.2617A>G on transcript NM_014423.4 (MANE Select); coding-DNA position 2617, A replaced by G.
Protein change: p.Ser873Gly; replaces serine 873 with glycine.
Molecular consequence: missense variant.
Genome position (GRCh38, 1-based): chr5:132,892,184, T>C on the plus strand (A>G on the coding strand, the complement: AFF4 is on the minus strand). VCF-style: chr5-132892184-T-C. GRCh37 (hg19) VCF-style: chr5-132227876-T-C.
Other names: short protein forms S873G.
Identifiers: ClinVar variation 4997743 (VCV004997743.1).

ClinVar aggregate classification (germline): Uncertain significance (1 of 4 stars; one submission).

Conditions:
AFF4-related disorder. Also called: AFF4-related condition.

gnomAD v4.1: 1 of 1,614,180 alleles (0.000062%); highest among the groups gnomAD compares: Non-Finnish European, 0.000085%; no homozygotes.

Submission:

PreventionGenetics, part of Exact Sciences
Classification: Uncertain significance for AFF4-related condition. Last evaluated: 2025-11-14. Review status: criteria provided, single submitter. Criteria: ACMG Guidelines, 2015. Collection method: clinical testing. Allele origin: germline.
Comment: The AFF4 c.2617A>G variant is predicted to result in the amino acid substitution p.Ser873Gly. To our knowledge, this variant has not been reported in the literature. This variant is reported in 0.00088% of alleles in individuals of European (Non-Finnish) descent in gnomAD. At this time, the clinical significance of this variant is uncertain due to the absence of conclusive functional and genetic evidence.